The following is an entry in ClinVar:

NM_003051.4(SLC16A1):c.362-58TATT[9]

Gene: SLC16A1 (solute carrier family 16 member 1; minus strand). Cytogenetic location: 1p13.2.
Variant type: Microsatellite.
Coding change: c.362-58TATT[9] on transcript NM_003051.4 (MANE Select); nine copies in a row of the 4-base unit TATT starting at c.362-58; the reference has 12 copies in a row; three copies, 12 bases deleted.
Molecular consequence: intron variant.
Genome position (GRCh38, 1-based): chr1:112,918,055-112,918,066, AATAAATAAATA deleted on the plus strand (TATTTATTTATT on the coding strand, the reverse complement: SLC16A1 is on the minus strand); deleting any 12 consecutive bases within chr1:112,918,055-112,918,103 gives the same sequence; the position shown is the placement nearest the transcript's 3' end. VCF-style (leftmost placement, unchanged base first): chr1-112918054-CAATAAATAAATA-C. GRCh37 (hg19) VCF-style: chr1-113460676-CAATAAATAAATA-C.
Other names: p.?; c.362-22_362-11del (NM_003051.3); c.362-58TATT[9] (NM_001166496.2).
Identifiers: ClinVar variation 212184 (VCV000212184.19), dbSNP rs149491709, ClinGen allele CA209197.
Genomic context (GRCh38, chr1:112,918,054, plus strand): 5'-ACTTGCCAATCATGGTCAGAGCTGGATTCAAGTTGAAGGCAAGCCCAAGACCTGTGAAGA[CAATAAATAAATA>C]AATAAATAAATAAATAAATAAATAAATAAATAAATAATAAGAGGTATAAATAATGGAAGG-3'

ClinVar aggregate classification (germline): Benign/Likely benign. Review status: criteria provided, multiple submitters, no conflicts (2 of 4 stars). 4 submissions from 4 submitters: Benign (3); Likely benign (1). Last evaluated 2026-02-04.

Submissions (4):

Labcorp Genetics (formerly Invitae), Labcorp
Classification: Likely benign. Last evaluated: 2026-02-04. Review status: criteria provided, single submitter. Criteria: Invitae Variant Classification Sherloc (09022015). Collection method: clinical testing. Allele origin: germline.

ARUP Laboratories, Molecular Genetics and Genomics, ARUP Laboratories
Classification: Benign. Last evaluated: 2025-03-05. Review status: criteria provided, single submitter. Criteria: ARUP Molecular Germline Variant Investigation Process 2024. Collection method: clinical testing. Allele origin: germline.

Mayo Clinic Laboratories, Mayo Clinic
Classification: Benign. Last evaluated: 2023-05-17. Review status: criteria provided, single submitter. Criteria: ACMG Guidelines, 2015. Collection method: clinical testing. Allele origin: germline. Observed: 6 variant alleles.
Comment: BS1, BS2, BP4

Genetic Services Laboratory, University of Chicago
Classification: Benign. Last evaluated: 2016-02-22. Review status: criteria provided, single submitter. Criteria: ACMG Guidelines, 2015. Collection method: clinical testing. Allele origin: germline. Affected: no.